The following is an entry in ClinVar:

NM_000064.4(C3):c.4456+3G>A

Gene: C3 (complement C3; minus strand). Cytogenetic location: 19p13.3.
Variant type: single nucleotide variant.
Coding change: c.4456+3G>A on transcript NM_000064.4 (MANE Select); 3 bases into the intron after coding-DNA position 4456, G replaced by A.
Molecular consequence: intron variant.
Genome position (GRCh38, 1-based): chr19:6,680,155, C>T on the plus strand (G>A on the coding strand, the complement: C3 is on the minus strand). VCF-style: chr19-6680155-C-T. GRCh37 (hg19) VCF-style: chr19-6680166-C-T.
Identifiers: ClinVar variation 3716024 (VCV003716024.2).

ClinVar aggregate classification (germline): Uncertain significance (1 of 4 stars; one submission).

Submission:

Labcorp Genetics (formerly Invitae), Labcorp
Classification: Uncertain significance. Last evaluated: 2025-01-20. Review status: criteria provided, single submitter. Criteria: Invitae Variant Classification Sherloc (09022015). Collection method: clinical testing. Allele origin: germline.
Comment: This sequence change falls in intron 36 of the C3 gene. It does not directly change the encoded amino acid sequence of the C3 protein. It affects a nucleotide within the consensus splice site. This variant is present in population databases (rs776844011, gnomAD 0.007%). This variant has not been reported in the literature in individuals affected with C3-related conditions. Variants that disrupt the consensus splice site are a relatively common cause of aberrant splicing (PMID: 17576681, 9536098). Algorithms developed to predict the effect of sequence changes on RNA splicing suggest that this variant is not likely to affect RNA splicing. In summary, the available evidence is currently insufficient to determine the role of this variant in disease. Therefore, it has been classified as a Variant of Uncertain Significance.

Literature cited by the submitters: PubMed 17576681; PubMed 9536098.